The following is an entry in ClinVar:

NM_000891.3(KCNJ2):c.211G>A (p.Asp71Asn)

Gene: KCNJ2 (potassium inwardly rectifying channel subfamily J member 2; plus strand). Cytogenetic location: 17q24.3.
Variant type: single nucleotide variant.
Coding change: c.211G>A on transcript NM_000891.3 (MANE Select); coding-DNA position 211, G replaced by A.
Protein change: p.Asp71Asn; replaces aspartic acid 71 with asparagine.
Molecular consequence: missense variant.
Genome position (GRCh38, 1-based): chr17:70,175,250, G>A. VCF-style: chr17-70175250-G-A. GRCh37 (hg19) VCF-style: chr17-68171391-G-A.
Other names: c.211G>A (LRG_328t1); short protein forms D71N.
Identifiers: ClinVar variation 67562 (VCV000067562.1), dbSNP rs199473369, ClinGen allele CA329642.

ClinVar aggregate classification (germline): Likely pathogenic. Review status: criteria provided, single submitter (1 of 4 stars). 2 submissions from 2 submitters: Likely pathogenic (1). 1 of the submissions does not count toward it. Last evaluated 2016-04-21.

Conditions:
Familial long QT syndrome (RWS). Also called: Congenital long QT syndrome; Romano-Ward syndrome; VENTRICULAR FIBRILLATION WITH PROLONGED QT INTERVAL. Identifiers: Orphanet 768, MedGen C1141890, MONDO:0019171.

Submissions (2):

GeneDx
Classification: Likely pathogenic. Last evaluated: 2016-04-21. Review status: criteria provided, single submitter. Criteria: GeneDx Variant Classification (06012015). Collection method: clinical testing. Allele origin: germline. Affected: yes.
Comment: A variant that is likely pathogenic was identified in the KCNJ2 gene. The D71N variant has been reported as a de novo variant in a patient with ATS, and it was not identified in 100 control individual (Donaldson et al., 2003). The D71N variant was not observed in approximately 6,500 individuals of European and African American ancestry in the NHLBI Exome Sequencing Project, indicating it is not a common benign variant in these populations. The D71N variant is a semi-conservative amino acid substitution, which may impact secondary protein structure as these residues differ in some properties. This substitution occurs at a position that is conserved across species. Furthermore, in silico analysis predicts this variant is probably damaging to the protein structure/function. Finally, a missense variant in the same residue (D71V) has been reported in the Human Gene Mutation Database in association with ATS (Stenson et al., 2014), supporting the functional importance of this region of the protein. Therefore, this variant is likely pathogenic.

Cardiovascular Biomedical Research Unit, Royal Brompton & Harefield NHS Foundation Trust
No classification provided. Condition: Familial long QT syndrome. Review status: no classification provided. Collection method: literature only. Allele origin: germline. Not counted in ClinVar's aggregate classification.
Comment: This variant has been reported in the following publications (PMID:12796536).

Literature cited by the submitters: PubMed 12796536 (cited by Cardiovascular Biomedical Research Unit, Royal Brompton & Harefield NHS Foundation Trust); PubMed 22581653 (cited by Cardiovascular Biomedical Research Unit, Royal Brompton & Harefield NHS Foundation Trust).